The following is an entry in ClinVar:

NM_016239.4(MYO15A):c.1024T>C (p.Tyr342His)

Gene: MYO15A (myosin XVA; plus strand). Cytogenetic location: 17p11.2.
Variant type: single nucleotide variant.
Coding change: c.1024T>C on transcript NM_016239.4 (MANE Select); coding-DNA position 1024, T replaced by C.
Protein change: p.Tyr342His; replaces tyrosine 342 with histidine.
Molecular consequence: missense variant.
Genome position (GRCh38, 1-based): chr17:18,119,824, T>C. VCF-style: chr17-18119824-T-C. GRCh37 (hg19) VCF-style: chr17-18023138-T-C.
Other names: short protein forms Y342H.
Identifiers: ClinVar variation 1414341 (VCV001414341.6), dbSNP rs1347711107, ClinGen allele CA398577057.

ClinVar aggregate classification (germline): Uncertain significance (1 of 4 stars; one submission).

gnomAD v4.1: 8 of 1,613,068 alleles (0.0005%); highest among the groups gnomAD compares: Non-Finnish European, 0.00068%; no homozygotes.

Submission:

Labcorp Genetics (formerly Invitae), Labcorp
Classification: Uncertain significance. Last evaluated: 2021-10-23. Review status: criteria provided, single submitter. Criteria: Invitae Variant Classification Sherloc (09022015). Collection method: clinical testing. Allele origin: germline.
Comment: This variant has not been reported in the literature in individuals affected with MYO15A-related conditions. This variant is not present in population databases (gnomAD no frequency). This sequence change replaces tyrosine, a(n) neutral and polar amino acid, with histidine, a(n) basic and polar amino acid, at codon 342 of the MYO15A protein (p.Tyr342His). Advanced modeling of protein sequence and biophysical properties (such as structural, functional, and spatial information, amino acid conservation, physicochemical variation, residue mobility, and thermodynamic stability) performed at Invitae indicates that this missense variant is not expected to disrupt MYO15A protein function. In summary, the available evidence is currently insufficient to determine the role of this variant in disease. Therefore, it has been classified as a Variant of Uncertain Significance.